The following is an entry in ClinVar:

NM_006231.4(POLE):c.3376G>A (p.Ala1126Thr)

Gene: POLE (DNA polymerase epsilon, catalytic subunit; minus strand). Cytogenetic location: 12q24.33.
Variant type: single nucleotide variant.
Coding change: c.3376G>A on transcript NM_006231.4 (MANE Select); coding-DNA position 3376, G replaced by A.
Protein change: p.Ala1126Thr; replaces alanine 1126 with threonine.
Molecular consequence: missense variant.
Genome position (GRCh38, 1-based): chr12:132,657,870, C>T on the plus strand (G>A on the coding strand, the complement: POLE is on the minus strand). VCF-style: chr12-132657870-C-T. GRCh37 (hg19) VCF-style: chr12-133234456-C-T.
Other names: c.3376G>A (NM_006231.2); short protein forms A1126T.
Identifiers: ClinVar variation 1396917 (VCV001396917.10), dbSNP rs1555225288, ClinGen allele CA387389578.

ClinVar aggregate classification (germline): Conflicting classifications of pathogenicity. Review status: criteria provided, conflicting classifications (1 of 4 stars). 3 submissions from 3 submitters: Uncertain significance (2); Likely benign (1). Last evaluated 2026-07-11.

Conditions:
Hereditary cancer-predisposing syndrome. Also called: Hereditary Cancer Syndrome; Neoplastic Syndromes, Hereditary; Hereditary neoplastic syndrome; Tumor predisposition. Identifiers: Orphanet 140162, MedGen C0027672, MeSH D009386, MONDO:0015356.

Submissions (3):

Ambry Genetics
Classification: Likely benign for Hereditary cancer-predisposing syndrome. Last evaluated: 2026-07-11. Review status: criteria provided, single submitter. Criteria: Ambry Variant Classification Scheme 2023. Collection method: clinical testing. Allele origin: germline.

GeneDx
Classification: Uncertain significance. Last evaluated: 2024-11-11. Review status: criteria provided, single submitter. Criteria: GeneDx Variant Classification Process June 2021. Collection method: clinical testing. Allele origin: germline. Affected: yes.
Comment: Not observed at significant frequency in large population cohorts (gnomAD); In silico analysis indicates that this missense variant does not alter protein structure/function; Has not been previously published as pathogenic or benign to our knowledge

Labcorp Genetics (formerly Invitae), Labcorp
Classification: Uncertain significance. Last evaluated: 2021-03-11. Review status: criteria provided, single submitter. Criteria: Invitae Variant Classification Sherloc (09022015). Collection method: clinical testing. Allele origin: germline.
Comment: This sequence change replaces alanine with threonine at codon 1126 of the POLE protein (p.Ala1126Thr). The alanine residue is weakly conserved and there is a small physicochemical difference between alanine and threonine. This variant is not present in population databases (ExAC no frequency). This variant has not been reported in the literature in individuals with POLE-related conditions. Algorithms developed to predict the effect of missense changes on protein structure and function output the following: SIFT: "Tolerated"; PolyPhen-2: "Benign"; Align-GVGD: "Class C0". The threonine amino acid residue is found in multiple mammalian species, suggesting that this missense change does not adversely affect protein function. These predictions have not been confirmed by published functional studies and their clinical significance is uncertain. In summary, the available evidence is currently insufficient to determine the role of this variant in disease. Therefore, it has been classified as a Variant of Uncertain Significance.